The following is an entry in ClinVar:

ClinVar aggregate classification (germline): Uncertain significance (1 of 4 stars; one submission).

Allele frequency attached by ClinVar (database versions not stated): gnomAD exomes below 0.00001; TOPMed below 0.00001; ESP Exome Variant Server 0.00008.
gnomAD v4.1: 3 of 1,586,740 alleles (0.00019%); highest among the groups gnomAD compares: Non-Finnish European, 0.00026%; no homozygotes.

Submission:

GeneDx
Classification: Uncertain significance. Last evaluated: 2021-12-09. Review status: criteria provided, single submitter. Criteria: GeneDx Variant Classification Process June 2021. Collection method: clinical testing. Allele origin: germline. Affected: yes.
Comment: In silico analysis supports that this missense variant has a deleterious effect on protein structure/function; Has not been previously published as pathogenic or benign to our knowledge

NM_001318852.2(MAPK8IP3):c.1567C>T (p.Arg523Cys)

Gene: MAPK8IP3 (mitogen-activated protein kinase 8 interacting protein 3; plus strand). Cytogenetic location: 16p13.3.
Variant type: single nucleotide variant.
Coding change: c.1567C>T on transcript NM_001318852.2 (MANE Select); coding-DNA position 1567, C replaced by T.
Protein change: p.Arg523Cys; replaces arginine 523 with cysteine.
Molecular consequence: missense variant.
Genome position (GRCh38, 1-based): chr16:1,762,378, C>T. VCF-style: chr16-1762378-C-T. GRCh37 (hg19) VCF-style: chr16-1812379-C-T.
Other names: c.1546C>T, p.Arg516Cys (NM_001040439.2); c.1564C>T, p.Arg522Cys (NM_015133.5); short protein forms R516C, R522C, R523C.
Identifiers: ClinVar variation 1691588 (VCV001691588.3), dbSNP rs369890197, ClinGen allele CA276717711.